The following is an entry in ClinVar:

ClinVar aggregate classification (germline): Pathogenic. Review status: criteria provided, single submitter (1 of 4 stars). 2 submissions from 2 submitters: Pathogenic (1). 1 of the submissions does not count toward it. Last evaluated 2025-11-25.

Conditions:
Amelogenesis imperfecta (AI). Also called: Congenital enamel hypoplasia. Identifiers: Orphanet 88661, MedGen C0002452, MONDO:0019507, HP:0000705.

Submissions (2):

Dasa
Classification: Pathogenic. Last evaluated: 2025-11-25. Review status: criteria provided, single submitter. Criteria: DASA Assertion Criteria. Collection method: clinical testing. Allele origin: germline.
Comment: NM_182758.4(WDR72):c.2332dup (p.Met778Asnfs*4) is a frameshift variant in WDR72 predicted to alter the reading frame and introduce a premature termination codon and is predicted to result in an absent or altered protein product. Loss of function is an established disease mechanism for WDR72-associated disorders. This variant has been reported in individuals with WDR72-related disorders (PMID: 36836560). Also, this variant is rare in population databases. Based on the currently available evidence, this variant is classified as pathogenic.

Dental Genetics Laboratory, Seoul National University School of Dentistry
Classification: Pathogenic for amelogenesis imperfecta. Review status: no assertion criteria provided. Collection method: clinical testing. Allele origin: paternal. Inheritance: Autosomal recessive inheritance. Affected: yes. Observed: 1 compound heterozygote. Not counted in ClinVar's aggregate classification.

Literature cited by the submitters: PubMed 36836560 (cited by Dasa).

NM_182758.4(WDR72):c.2332dup (p.Met778fs)

Gene: WDR72 (WD repeat domain 72; minus strand). Cytogenetic location: 15q21.3.
Variant type: Duplication.
Coding change: c.2332dup on transcript NM_182758.4 (MANE Select); coding-DNA position 2332, one base duplicated (A; older notation c.2332dupA).
Protein change: p.Met778fs; shifts the reading frame from methionine 778.
Molecular consequence: frameshift variant. On other transcripts: non-coding transcript variant (1).
Genome position (GRCh38, 1-based): chr15:53,615,874, T duplicated on the plus strand (A on the coding strand, the reverse complement: WDR72 is on the minus strand); the first of 7 consecutive T bases (chr15:53,615,874-53,615,880); duplicating any one gives the same sequence. VCF-style (leftmost placement, unchanged base first): chr15-53615873-A-AT. GRCh37 (hg19) VCF-style: chr15-53908070-A-AT.
Other names: c.2332dupA (NM_182758.4); short protein forms M778fs.
Identifiers: ClinVar variation 1895441 (VCV001895441.4), dbSNP rs764406738, ClinGen allele CA7570890.
Genomic context (GRCh38, chr15:53,615,873, plus strand): 5'-AACAATTTTGCTGTGTCTATTGTGAGACTGGCATCTACTTTTCTTGATGGCTTAGGCTGC[A>AT]TTTTTTTGGAGATCTTCATTTTCTTCTGCCTTTTAATGCCATCATTTTCTTCTGAGAATT-3'